The following is an entry in ClinVar:

NM_000054.7(AVPR2):c.888G>A (p.Trp296Ter)

Gene: AVPR2 (arginine vasopressin receptor 2; plus strand). Cytogenetic location: Xq28.
Variant type: single nucleotide variant.
Coding change: c.888G>A on transcript NM_000054.7 (MANE Select); coding-DNA position 888, G replaced by A.
Protein change: p.Trp296Ter; replaces tryptophan 296 with a stop codon.
Molecular consequence: nonsense. On other transcripts: non-coding transcript variant (1).
Genome position (GRCh38, 1-based): chrX:153,906,394, G>A. VCF-style: chrX-153906394-G-A. GRCh37 (hg19) VCF-style: chrX-153171848-G-A.
Other names: c.888G>A, p.Trp296Ter (NM_001146151.3); short protein forms W296*.
Identifiers: ClinVar variation 2812101 (VCV002812101.4), dbSNP rs2521160397, ClinGen allele CA415109996.

ClinVar aggregate classification (germline): Pathogenic. Review status: criteria provided, multiple submitters, no conflicts (2 of 4 stars). 2 submissions from 2 submitters: Pathogenic (2). Last evaluated 2023-05-17.

Conditions:
AVPR2-related disorder. Also called: AVPR2-related condition.

Submissions (2):

Blueprint Genetics
Classification: Pathogenic for AVPR2-related disorders. Last evaluated: 2023-05-17. Review status: criteria provided, single submitter. Criteria: ACMG Guidelines, 2015. Collection method: clinical testing. Allele origin: germline. Affected: yes. Observed: 1 variant allele.

Labcorp Genetics (formerly Invitae), Labcorp
Classification: Pathogenic. Last evaluated: 2022-11-04. Review status: criteria provided, single submitter. Criteria: Invitae Variant Classification Sherloc (09022015). Collection method: clinical testing. Allele origin: germline.
Comment: For these reasons, this variant has been classified as Pathogenic. This variant disrupts a region of the AVPR2 protein in which other variant(s) (p.Leu312* ) have been determined to be pathogenic (Invitae). This suggests that this is a clinically significant region of the protein, and that variants that disrupt it are likely to be disease-causing. This premature translational stop signal has been observed in individual(s) with nephrogenic diabetes insipidus (PMID: 18726898). This variant is not present in population databases (gnomAD no frequency). This sequence change creates a premature translational stop signal (p.Trp296*) in the AVPR2 gene. While this is not anticipated to result in nonsense mediated decay, it is expected to disrupt the last 76 amino acid(s) of the AVPR2 protein.

Literature cited by the submitters: PubMed 18726898 (cited by Labcorp Genetics (formerly Invitae), Labcorp).